The following is an entry in ClinVar:

ClinVar aggregate classification (germline): Uncertain significance (1 of 4 stars; one submission).

gnomAD v4.1: 1 of 1,613,124 alleles (0.000062%); highest among the groups gnomAD compares: Admixed American, 0.0017%; no homozygotes.

Submission:

Dasa
Classification: Uncertain significance. Last evaluated: 2025-09-24. Review status: criteria provided, single submitter. Criteria: DASA Assertion Criteria. Collection method: clinical testing. Allele origin: germline.
Comment: NM_014314.4(DDX58):c.625A>C (p.Ile209Leu) is a missense variant that results in the substitution of isoleucine with leucine. This variant is rare in population databases. Computational prediction algorithms are consistent with a benign effect. The currently available literature and clinical evidence are not sufficient to establish a definitive association between this variant and the reported condition. Therefore, this variant is classified as a variant of uncertain significance.

NM_014314.4(RIGI):c.625A>C (p.Ile209Leu)

Gene: RIGI (RNA sensor RIG-I; minus strand). Cytogenetic location: 9p21.1.
Variant type: single nucleotide variant.
Coding change: c.625A>C on transcript NM_014314.4 (MANE Select); coding-DNA position 625, A replaced by C.
Protein change: p.Ile209Leu; replaces isoleucine 209 with leucine.
Molecular consequence: missense variant.
Genome position (GRCh38, 1-based): chr9:32,491,367, T>G on the plus strand (A>C on the coding strand, the complement: RIGI is on the minus strand). VCF-style: chr9-32491367-T-G. GRCh37 (hg19) VCF-style: chr9-32491365-T-G.
Other names: c.625A>C, p.Ile209Leu (NM_001385907.1, NM_001385909.1); c.184A>C, p.Ile62Leu (NM_001385910.1, NM_001385914.1); c.16A>C, p.Ile6Leu (NM_001385912.1); c.610A>C, p.Ile204Leu (NM_001385913.1); short protein forms I204L, I209L, I62L, I6L.
Identifiers: ClinVar variation 4885129 (VCV004885129.2).